The following is an entry in ClinVar:

ClinVar aggregate classification (germline): Uncertain significance (1 of 4 stars; one submission).

Conditions:
Fanconi anemia (FA). Also called: Fanconi's anemia. Identifiers: Orphanet 84, MedGen C0015625, MeSH D005199, MONDO:0019391.

Submission:

Labcorp Genetics (formerly Invitae), Labcorp
Classification: Uncertain significance for Fanconi anemia. Last evaluated: 2024-12-17. Review status: criteria provided, single submitter. Criteria: Invitae Variant Classification Sherloc (09022015). Collection method: clinical testing. Allele origin: germline.
Comment: This sequence change replaces glutamic acid, which is acidic and polar, with aspartic acid, which is acidic and polar, at codon 1543 of the SLX4 protein (p.Glu1543Asp). This variant is not present in population databases (gnomAD no frequency). This variant has not been reported in the literature in individuals affected with SLX4-related conditions. ClinVar contains an entry for this variant (Variation ID: 964820). An algorithm developed to predict the effect of missense changes on protein structure and function (PolyPhen-2) suggests that this variant is likely to be tolerated. In summary, the available evidence is currently insufficient to determine the role of this variant in disease. Therefore, it has been classified as a Variant of Uncertain Significance.

NM_032444.4(SLX4):c.4629G>T (p.Glu1543Asp)

Gene: SLX4 (SLX4 structure-specific endonuclease subunit; minus strand). Cytogenetic location: 16p13.3.
Variant type: single nucleotide variant.
Coding change: c.4629G>T on transcript NM_032444.4 (MANE Select); coding-DNA position 4629, G replaced by T.
Protein change: p.Glu1543Asp; replaces glutamic acid 1543 with aspartic acid.
Molecular consequence: missense variant.
Genome position (GRCh38, 1-based): chr16:3,589,009, C>A on the plus strand (G>T on the coding strand, the complement: SLX4 is on the minus strand). VCF-style: chr16-3589009-C-A. GRCh37 (hg19) VCF-style: chr16-3639010-C-A.
Other names: short protein forms E1543D.
Identifiers: ClinVar variation 964820 (VCV000964820.9), dbSNP rs1406412705, ClinGen allele CA394516744.